The following is an entry in ClinVar:

NM_182760.4(SUMF1):c.206G>C (p.Arg69Pro)

Genes: SUMF1 (sulfatase modifying factor 1; minus strand), LOC129936056 (ATAC-STARR-seq lymphoblastoid silent region 14016; plus strand). Cytogenetic location: 3p26.1.
Variant type: single nucleotide variant.
Coding change: c.206G>C on transcript NM_182760.4 (MANE Select); coding-DNA position 206, G replaced by C.
Protein change: p.Arg69Pro; replaces arginine 69 with proline.
Molecular consequence: missense variant.
Genome position (GRCh38, 1-based): chr3:4,467,040, C>G on the plus strand (G>C on the coding strand, the complement: SUMF1 is on the minus strand). VCF-style: chr3-4467040-C-G. GRCh37 (hg19) VCF-style: chr3-4508724-C-G.
Other names: c.206G>C, p.Arg69Pro (NM_001164674.2, NM_001164675.2); c.206G>C (NM_182760.3); short protein forms R69P.
Identifiers: ClinVar variation 2051905 (VCV002051905.24), dbSNP rs1009664516, ClinGen allele CA2230692.

ClinVar aggregate classification (germline): Uncertain significance. Review status: criteria provided, multiple submitters, no conflicts (2 of 4 stars). 3 submissions from 3 submitters: Uncertain significance (3). Last evaluated 2024-02-01.

Conditions:
Inborn genetic diseases. Identifiers: MedGen C0950123, MeSH D030342.
Multiple sulfatase deficiency (MSD). Also called: Sulfatidosis, Juvenile, Austin Type; Multiple Sulfatase Deficiency Disease; Mucosulfatidosis. Identifiers: Orphanet 585, MedGen C0268263, MONDO:0010088, OMIM 272200.

Allele frequency attached by ClinVar (database versions not stated): ExAC 0.00003.
gnomAD v4.1: 46 of 1,574,686 alleles (0.0029%); highest among the groups gnomAD compares: Non-Finnish European, 0.0035%; no homozygotes.

Submissions (3):

CeGaT Center for Human Genetics Tuebingen
Classification: Uncertain significance. Last evaluated: 2024-02-01. Review status: criteria provided, single submitter. Criteria: CeGaT Center For Human Genetics Tuebingen Variant Classification Criteria Version 2. Collection method: clinical testing. Allele origin: germline. Affected: yes. Observed: 1 variant allele.
Comment: SUMF1: PM2, PM3:Supporting, PP3

Ambry Genetics
Classification: Uncertain significance for Inborn genetic diseases. Last evaluated: 2023-11-28. Review status: criteria provided, single submitter. Criteria: Ambry Variant Classification Scheme 2023. Collection method: clinical testing. Allele origin: germline.

Labcorp Genetics (formerly Invitae), Labcorp
Classification: Uncertain significance for Multiple sulfatase deficiency. Last evaluated: 2022-08-20. Review status: criteria provided, single submitter. Criteria: Invitae Variant Classification Sherloc (09022015). Collection method: clinical testing. Allele origin: germline.
Comment: This sequence change replaces arginine, which is basic and polar, with proline, which is neutral and non-polar, at codon 69 of the SUMF1 protein (p.Arg69Pro). This variant is present in population databases (no rsID available, gnomAD 0.006%). This variant has not been reported in the literature in individuals affected with SUMF1-related conditions. Algorithms developed to predict the effect of missense changes on protein structure and function are either unavailable or do not agree on the potential impact of this missense change (SIFT: "Deleterious"; PolyPhen-2: "Benign"; Align-GVGD: "Class C0"). In summary, the available evidence is currently insufficient to determine the role of this variant in disease. Therefore, it has been classified as a Variant of Uncertain Significance.